The following is an entry in ClinVar:

ClinVar aggregate classification (germline): Pathogenic. Review status: criteria provided, multiple submitters, no conflicts (2 of 4 stars). 12 submissions from 12 submitters: Pathogenic (10). 2 of the submissions do not count toward it. Last evaluated 2025-10-23.

Conditions:
MEN1-related disorder. Also called: MEN1-related condition.
Hereditary cancer-predisposing syndrome. Also called: Hereditary neoplastic syndrome; Tumor predisposition; Neoplastic Syndromes, Hereditary; Hereditary Cancer Syndrome. Identifiers: Orphanet 140162, MedGen C0027672, MeSH D009386, MONDO:0015356.
Multiple endocrine neoplasia, type 1 (MEN1). Also called: MEA I; Endocrine adenomatosis multiple; MEN 1; MEN I; WERMER SYNDROME. Identifiers: Orphanet 652, MedGen C0025267, MeSH D018761, MONDO:0007540, OMIM 131100.

Allele frequency attached by ClinVar (database versions not stated): TOPMed below 0.00001; gnomAD 0.00001.
gnomAD v4.1: 1 of 1,596,890 alleles (0.000063%); highest among the groups gnomAD compares: Non-Finnish European, 0.000085%; no homozygotes.

Submissions (12):

Labcorp Genetics (formerly Invitae), Labcorp
Classification: Pathogenic for Multiple endocrine neoplasia, type 1. Last evaluated: 2025-10-23. Review status: criteria provided, single submitter. Criteria: Invitae Variant Classification Sherloc (09022015). Collection method: clinical testing. Allele origin: germline.
Comment: This sequence change creates a premature translational stop signal (p.Arg460*) in the MEN1 gene. While this is not anticipated to result in nonsense mediated decay, it is expected to disrupt the last 151 amino acid(s) of the MEN1 protein. This variant is not present in population databases (gnomAD no frequency). This premature translational stop signal has been observed in individual(s) with multiple endocrine neoplasia type 1 (PMID: 9215689, 14678300, 17879353, 18753103, 19461164). Invitae Evidence Modeling of clinical and family history, age, sex, and reported ancestry of multiple individuals with this MEN1 variant has been performed. This variant is expected to be pathogenic with a positive predictive value of at least 99%. This is a validated machine learning model that incorporates the clinical features of 1,366,787 individuals referred to our laboratory for MEN1 testing. ClinVar contains an entry for this variant (Variation ID: 16692). Algorithms developed to predict the effect of variants on gene product structure and function are not available or were not evaluated for this variant. Experimental studies have shown that this premature translational stop signal affects MEN1 function (PMID: 21819486). This variant disrupts a region of the MEN1 protein in which other variant(s) (p.Arg516Glyfs*43) have been determined to be pathogenic (PMID: 17879353). This suggests that this is a clinically significant region of the protein, and that variants that disrupt it are likely to be disease-causing. For these reasons, this variant has been classified as Pathogenic.

Women's Health and Genetics/Laboratory Corporation of America, LabCorp
Classification: Pathogenic for Multiple endocrine neoplasia, type 1. Last evaluated: 2025-06-30. Review status: criteria provided, single submitter. Criteria: LabCorp Variant Classification Summary - May 2015. Collection method: clinical testing. Allele origin: germline.
Comment: Variant summary: MEN1 c.1378C>T (p.Arg460X) results in a premature termination codon, predicted to cause a truncation of the encoded protein. The variant was absent in 227184 control chromosomes. c.1378C>T has been observed in individual(s) affected with Multiple Endocrine Neoplasia Type 1 (examples, Agarwal _1997). These data indicate that the variant may be associated with disease. At least one publication reports experimental evidence evaluating an impact on protein function. The most pronounced variant effect results in almost diminished stability in 293T cells (Shimazu_2011). The following publications have been ascertained in the context of this evaluation (PMID: 9215689, 21819486). ClinVar contains an entry for this variant (Variation ID: 16692). Based on the evidence outlined above, the variant was classified as pathogenic.

Ambry Genetics
Classification: Pathogenic for Hereditary cancer-predisposing syndrome. Last evaluated: 2024-09-19. Review status: criteria provided, single submitter. Criteria: Ambry Variant Classification Scheme 2023. Collection method: clinical testing. Allele origin: germline.
Comment: The p.R460* pathogenic mutation (also known as c.1378C>T), located in coding exon 9 of the MEN1 gene, results from a C to T substitution at nucleotide position 1378. This changes the amino acid from an arginine to a stop codon within coding exon 9. This alteration occurs at the 3' terminus of theMEN1 gene, is not expected to trigger nonsense-mediated mRNA decay, and impacts the last 25% of the protein. However, premature stop codons are typically deleterious in nature and the impacted region is critical for protein function (Ambry internal data) and a significant portion of the protein is affected (Ambry internal data). This alteration has been identified in many unrelated patients and families with MEN1 (Agarwal SK et al. Hum Mol Genet.1997;6(7):1169-75; Matsuzaki LN et al. Clin Endocrinol (Oxf). 2004;60(1):142-3; Goroshi M et al. Fam. Cancer. 2016 Oct;15(4):617-24). In addition, this mutation has demonstrated expression levels at less than 20% compared to wild type in an in vitro study (Shimazu S et al. Cancer Sci. 2011 Nov;102(11):2097-102). This variant is considered to be rare based on population cohorts in the Genome Aggregation Database (gnomAD). Based on the supporting evidence, this variant is interpreted as a disease-causing mutation.

Blueprint Genetics
Classification: Pathogenic for MEN1-related disorders. Last evaluated: 2024-08-26. Review status: criteria provided, single submitter. Criteria: ACMG Guidelines, 2015. Collection method: clinical testing. Allele origin: germline. Affected: yes. Observed: 2 variant alleles.

Quest Diagnostics Nichols Institute San Juan Capistrano
Classification: Pathogenic. Last evaluated: 2024-06-13. Review status: criteria provided, single submitter. Criteria: Quest Diagnostics criteria. Collection method: clinical testing. Allele origin: unknown.
Comment: The MEN1 c.1378C>T (p.Arg460*) variant causes the premature termination of MEN1 protein synthesis. This variant has been reported in the published literature in multiple individuals and families affected with multiple endocrine neoplasia type 1 (MEN1) syndrome (PMID: 9215689 (1997), 9463336 (1998), 9540988 (1998), 9554741 (1998), 9681840 (1998), 9683585 (1998), 11836268 (2002), 14678300 (2004), 15635078 (2005), 17879353 (2008), 18753103 (2008), 19461164 (2009), 26905068 (2016), 35370956 (2022)). Assessment of experimental evidence suggests this variant results in abnormal protein function (PMID: 21819486 (2011)). The frequency of this variant in the general population, 0.0000066 (1/152166 chromosomes (Genome Aggregation Database)), is consistent with pathogenicity. Based on the available information, this variant is classified as pathogenic.

Myriad Genetics, Inc.
Classification: Pathogenic for Multiple endocrine neoplasia, type 1. Last evaluated: 2023-07-07. Review status: criteria provided, single submitter. Criteria: Myriad Autosomal Dominant, Autosomal Recessive and X-Linked Classification Criteria (2023). Collection method: clinical testing. Allele origin: unknown.
Comment: This variant is considered pathogenic. This variant creates a termination codon and is predicted to result in premature protein truncation.

GeneDx
Classification: Pathogenic. Last evaluated: 2019-08-01. Review status: criteria provided, single submitter. Criteria: GeneDx Variant Classification Process June 2021. Collection method: clinical testing. Allele origin: germline. Affected: yes.
Comment: Nonsense variant predicted to result in protein truncation or nonsense mediated decay in a gene for which loss-of-function is a known mechanism of disease; Not observed in large population cohorts (Lek 2016); This variant is associated with the following publications: (PMID: 9554741, 18753103, 29922966, 30339208, 10715991, 9215689, 11836268, 27212590, 22026581, 26767918, 26905068, 14678300, 27588171, 21819486, 28785839, 30342802)

Clinical Genetics and Genomics, Karolinska University Hospital
Classification: Pathogenic. Last evaluated: 2019-02-27. Review status: criteria provided, single submitter. Criteria: ACMG Guidelines, 2015. Collection method: clinical testing. Allele origin: germline. Affected: yes. Observed: 1 variant allele.

ARUP Laboratories, Molecular Genetics and Genomics, ARUP Laboratories
Classification: Pathogenic. Last evaluated: 2017-08-25. Review status: criteria provided, single submitter. Criteria: ARUP Molecular Germline Variant Investigation Process. Collection method: clinical testing. Allele origin: germline.

Eurofins Ntd Llc (ga)
Classification: Pathogenic. Last evaluated: 2017-03-02. Review status: criteria provided, single submitter. Criteria: EGL Classification Definitions 2015. Collection method: clinical testing. Allele origin: germline. Observed: 1 variant allele, 1 heterozygote.

OMIM
Classification: Pathogenic for MULTIPLE ENDOCRINE NEOPLASIA, TYPE I. Last evaluated: 1998-01-01. Review status: no assertion criteria provided. Collection method: literature only. Allele origin: germline. Not counted in ClinVar's aggregate classification.

GeneReviews
No classification provided. Condition: Multiple endocrine neoplasia, type 1. Review status: no classification provided. Collection method: literature only. Allele origin: germline. Not counted in ClinVar's aggregate classification.

Literature cited by the submitters: PubMed 9215689 (cited by 4 submitters); PubMed 14678300 (cited by 3 submitters); PubMed 17879353 (cited by Labcorp Genetics (formerly Invitae), Labcorp and Quest Diagnostics Nichols Institute San Juan Capistrano); PubMed 18753103 (cited by Labcorp Genetics (formerly Invitae), Labcorp and Quest Diagnostics Nichols Institute San Juan Capistrano); PubMed 19461164 (cited by Labcorp Genetics (formerly Invitae), Labcorp and Quest Diagnostics Nichols Institute San Juan Capistrano); PubMed 21819486 (cited by 4 submitters); PubMed 20833329 (cited by Ambry Genetics); PubMed 26905068 (cited by Ambry Genetics and Quest Diagnostics Nichols Institute San Juan Capistrano); PubMed 10617276 (cited by Quest Diagnostics Nichols Institute San Juan Capistrano); PubMed 10715991 (cited by Quest Diagnostics Nichols Institute San Juan Capistrano); PubMed 10730900 (cited by Quest Diagnostics Nichols Institute San Juan Capistrano); PubMed 11836268 (cited by Quest Diagnostics Nichols Institute San Juan Capistrano); PubMed 12049533 (cited by Quest Diagnostics Nichols Institute San Juan Capistrano); PubMed 15635078 (cited by Quest Diagnostics Nichols Institute San Juan Capistrano); PubMed 35370956 (cited by Quest Diagnostics Nichols Institute San Juan Capistrano); PubMed 15714081 (cited by Quest Diagnostics Nichols Institute San Juan Capistrano); PubMed 9463336 (cited by Quest Diagnostics Nichols Institute San Juan Capistrano); PubMed 9540988 (cited by Quest Diagnostics Nichols Institute San Juan Capistrano); PubMed 9554741 (cited by Quest Diagnostics Nichols Institute San Juan Capistrano and OMIM); PubMed 9666051 (cited by Quest Diagnostics Nichols Institute San Juan Capistrano); PubMed 9671267 (cited by Quest Diagnostics Nichols Institute San Juan Capistrano); PubMed 9681840 (cited by Quest Diagnostics Nichols Institute San Juan Capistrano); PubMed 9683585 (cited by Quest Diagnostics Nichols Institute San Juan Capistrano); PubMed 16449969 (cited by Quest Diagnostics Nichols Institute San Juan Capistrano); PubMed 15331604 (cited by Quest Diagnostics Nichols Institute San Juan Capistrano); PubMed 6108714 (cited by OMIM); PubMed 2857681 (cited by OMIM); NCBI Bookshelf NBK1538 (cited by GeneReviews).

NM_001370259.2(MEN1):c.1378C>T (p.Arg460Ter)

Gene: MEN1 (menin 1; minus strand). Cytogenetic location: 11q13.1.
Variant type: single nucleotide variant.
Coding change: c.1378C>T on transcript NM_001370259.2 (MANE Select); coding-DNA position 1378, C replaced by T.
Protein change: p.Arg460Ter; replaces arginine 460 with a stop codon.
Molecular consequence: nonsense.
Genome position (GRCh38, 1-based): chr11:64,804,789, G>A on the plus strand (C>T on the coding strand, the complement: MEN1 is on the minus strand). VCF-style: chr11-64804789-G-A. GRCh37 (hg19) VCF-style: chr11-64572261-G-A.
Other names: p.R460*:CGA>TGA; c.1393C>T, p.Arg465Ter (NM_000244.4, NM_130800.3, NM_130801.3 and 3 more transcripts); c.1504C>T, p.Arg502Ter (NM_001370251.2); c.1378C>T, p.Arg460Ter (NM_001370260.2, NM_001370261.2, NM_130799.3); c.1273C>T, p.Arg425Ter (NM_001370262.2, NM_001370263.2); short protein forms R460*, R465*, R502*, R425*.
Identifiers: ClinVar variation 16692 (VCV000016692.36), dbSNP rs104894267, ClinGen allele CA009155.